The following is an entry in ClinVar:

ClinVar aggregate classification (germline): Pathogenic. Review status: criteria provided, multiple submitters, no conflicts (2 of 4 stars). 2 submissions from 2 submitters: Pathogenic (2). Last evaluated 2023-08-11.

Conditions:
Hereditary nonpolyposis colorectal neoplasms. Identifiers: MedGen C0009405, MeSH D003123.
Lynch syndrome 5 (LYNCH5). Also called: Hereditary non-polyposis colorectal cancer, type 5; Colorectal cancer, hereditary nonpolyposis, type 5. Identifiers: Orphanet 144, MedGen C1833477, MONDO:0013710, OMIM 614350. Disease mechanism: loss of function.

Submissions (2):

Myriad Genetics, Inc.
Classification: Pathogenic for Lynch syndrome 5. Last evaluated: 2023-08-11. Review status: criteria provided, single submitter. Criteria: Myriad Autosomal Dominant, Autosomal Recessive and X-Linked Classification Criteria (2023). Collection method: clinical testing. Allele origin: unknown.
Comment: This variant is considered pathogenic. This variant creates a frameshift predicted to result in premature protein truncation.

Labcorp Genetics (formerly Invitae), Labcorp
Classification: Pathogenic for Hereditary nonpolyposis colorectal neoplasms. Last evaluated: 2021-03-01. Review status: criteria provided, single submitter. Criteria: Invitae Variant Classification Sherloc (09022015). Collection method: clinical testing. Allele origin: germline.
Comment: This variant is not present in population databases (ExAC no frequency). For these reasons, this variant has been classified as Pathogenic. This variant has not been reported in the literature in individuals with MSH6-related conditions. This sequence change creates a premature translational stop signal (p.Asp439Leufs*13) in the MSH6 gene. It is expected to result in an absent or disrupted protein product. Loss-of-function variants in MSH6 are known to be pathogenic (PMID: 18269114, 24362816).

Literature cited by the submitters: PubMed 18269114 (cited by Labcorp Genetics (formerly Invitae), Labcorp); PubMed 24362816 (cited by Labcorp Genetics (formerly Invitae), Labcorp).

NM_000179.3(MSH6):c.1315_1318del (p.Asp439fs)

Gene: MSH6 (mutS homolog 6; plus strand). Cytogenetic location: 2p16.3.
Variant type: Deletion.
Coding change: c.1315_1318del on transcript NM_000179.3 (MANE Select); coding-DNA positions 1315 to 1318, 4 bases deleted (GATG; older notation c.1315_1318delGATG).
Protein change: p.Asp439fs; shifts the reading frame from aspartic acid 439.
Molecular consequence: frameshift variant.
Genome position (GRCh38, 1-based): chr2:47,799,298-47,799,301, GATG deleted; deleting any 4 consecutive bases within chr2:47,799,295-47,799,301 gives the same sequence; the c. name uses the placement nearest the transcript's 3' end. VCF-style (leftmost placement, unchanged base first): chr2-47799294-CATGG-C. GRCh37 (hg19) VCF-style: chr2-48026433-CATGG-C.
Other names: c.925_928del, p.Asp309fs (NM_001281492.2); c.409_412del, p.Asp137fs (NM_001281493.2, NM_001281494.2); short protein forms D137fs, D309fs, D439fs.
Identifiers: ClinVar variation 1460121 (VCV001460121.7), dbSNP rs2104335533, ClinGen allele CA2573134917.